The following is an entry in ClinVar:

ClinVar aggregate classification (germline): Uncertain significance (1 of 4 stars; one submission).

Conditions:
Inborn genetic diseases. Identifiers: MedGen C0950123, MeSH D030342.

Submission:

Ambry Genetics
Classification: Uncertain significance for Inborn genetic diseases. Last evaluated: 2025-10-16. Review status: criteria provided, single submitter. Criteria: Ambry Variant Classification Scheme 2023. Collection method: clinical testing. Allele origin: germline.
Comment: The c.145_147delTTC variant (also known as p.F49del) is located in coding exon 1 of the GATA2 gene. This variant results from an in-frame TTC deletion at nucleotide positions 145 to 147. This results in the in-frame deletion of a phenylalanine at codon 49. This amino acid position is well conserved in available vertebrate species. Based on the available evidence, the clinical significance of this variant remains unclear.

NM_032638.5(GATA2):c.142TTC[1] (p.Phe49del)

Gene: GATA2 (GATA binding protein 2; minus strand). Cytogenetic location: 3q21.3.
Variant type: Microsatellite.
Coding change: c.142TTC[1] on transcript NM_032638.5 (MANE Select); one copy of the 3-base unit TTC starting at c.142; the reference has two copies in a row; one copy, 3 bases deleted.
Protein change: p.Phe49del; deletes phenylalanine 49.
Molecular consequence: inframe deletion. On other transcripts: inframe indel (2).
Genome position (GRCh38, 1-based): chr3:128,486,885-128,486,887, GAA deleted on the plus strand (TTC on the coding strand, the reverse complement: GATA2 is on the minus strand); deleting any 3 consecutive bases within chr3:128,486,885-128,486,892 gives the same sequence; the position shown is the placement nearest the transcript's 3' end. VCF-style (leftmost placement, unchanged base first): chr3-128486884-TGAA-T. GRCh37 (hg19) VCF-style: chr3-128205727-TGAA-T.
Other names: c.142TTC[1], p.Phe49del (NM_001145661.2, NM_001145662.1); c.140_142TCT[1], p.Phe49del (NM_032638.4); c.145_147delTTC (NM_032638.4); short protein forms F49del.
Identifiers: ClinVar variation 4620623 (VCV004620623.1).